The following is an entry in ClinVar:

ClinVar aggregate classification (germline): Uncertain significance (1 of 4 stars; one submission).

Conditions:
Bloom syndrome (BLM). Also called: Bloom-Torre-Machacek syndrome. Identifiers: Orphanet 125, MedGen C0005859, MONDO:0008876, OMIM 210900.

Submission:

Labcorp Genetics (formerly Invitae), Labcorp
Classification: Uncertain significance for Bloom syndrome. Last evaluated: 2025-08-18. Review status: criteria provided, single submitter. Criteria: Invitae Variant Classification Sherloc (09022015). Collection method: clinical testing. Allele origin: germline.
Comment: This sequence change replaces leucine, which is neutral and non-polar, with phenylalanine, which is neutral and non-polar, at codon 60 of the BLM protein (p.Leu60Phe). This variant is not present in population databases (gnomAD no frequency). This variant has not been reported in the literature in individuals affected with BLM-related conditions. An algorithm developed to predict the effect of missense changes on protein structure and function (PolyPhen-2) suggests that this variant is likely to be disruptive. In summary, the available evidence is currently insufficient to determine the role of this variant in disease. Therefore, it has been classified as a Variant of Uncertain Significance.

NM_000057.4(BLM):c.180A>C (p.Leu60Phe)

Gene: BLM (BLM RecQ like helicase; plus strand). Cytogenetic location: 15q26.1.
Variant type: single nucleotide variant.
Coding change: c.180A>C on transcript NM_000057.4 (MANE Select); coding-DNA position 180, A replaced by C.
Protein change: p.Leu60Phe; replaces leucine 60 with phenylalanine.
Molecular consequence: missense variant. On other transcripts: 5 prime UTR variant (1).
Genome position (GRCh38, 1-based): chr15:90,749,448, A>C. VCF-style: chr15-90749448-A-C. GRCh37 (hg19) VCF-style: chr15-91292678-A-C.
Other names: c.180A>C, p.Leu60Phe (NM_001287246.2, NM_001287247.2); c.-1112A>C (NM_001287248.2); short protein forms L60F.
Identifiers: ClinVar variation 4711404 (VCV004711404.1).